The following is an entry in ClinVar:

ClinVar aggregate classification (germline): Pathogenic (1 of 4 stars; one submission).

Submission:

Labcorp Genetics (formerly Invitae), Labcorp
Classification: Pathogenic. Last evaluated: 2022-05-23. Review status: criteria provided, single submitter. Criteria: Invitae Variant Classification Sherloc (09022015). Collection method: clinical testing. Allele origin: germline.
Comment: This sequence change creates a premature translational stop signal (p.Lys2097Serfs*5) in the MYO7A gene. It is expected to result in an absent or disrupted protein product. Loss-of-function variants in MYO7A are known to be pathogenic (PMID: 8900236, 25404053). For these reasons, this variant has been classified as Pathogenic. This variant has not been reported in the literature in individuals affected with MYO7A-related conditions. This variant is not present in population databases (gnomAD no frequency).

Literature cited by the submitters: PubMed 8900236; PubMed 25404053.

NM_000260.4(MYO7A):c.6290del (p.Lys2097fs)

Gene: MYO7A (myosin VIIA; plus strand). Cytogenetic location: 11q13.5.
Variant type: Deletion.
Coding change: c.6290del on transcript NM_000260.4 (MANE Select); coding-DNA position 6290, one base deleted (A; older notation c.6290delA).
Protein change: p.Lys2097fs; shifts the reading frame from lysine 2097.
Molecular consequence: frameshift variant.
Genome position (GRCh38, 1-based): chr11:77,211,873, A deleted; the last of 2 consecutive A bases (chr11:77,211,872-77,211,873); deleting either gives the same sequence. VCF-style (leftmost placement, unchanged base first): chr11-77211871-CA-C. GRCh37 (hg19) VCF-style: chr11-76922916-CA-C.
Other names: c.6176del, p.Lys2059fs (NM_001127180.2); c.6143del, p.Lys2048fs (NM_001369365.1); short protein forms K2097fs, K2048fs, K2059fs.
Identifiers: ClinVar variation 2129285 (VCV002129285.4), dbSNP rs2497812312, ClinGen allele CA912973156.